The following is an entry in ClinVar:

ClinVar aggregate classification (germline): Uncertain significance. Review status: criteria provided, single submitter (1 of 4 stars). 2 submissions from 2 submitters: Uncertain significance (1). 1 of the submissions does not count toward it. Last evaluated 2021-08-27.

Conditions:
Ellis-van Creveld syndrome (EVC). Also called: MESOECTODERMAL DYSPLASIA; EVC-Related Ellis-van Creveld Syndrome; EVC2-Related Ellis-van Creveld Syndrome; Chondroectodermal dysplasia. Identifiers: Orphanet 289, MedGen C0013903, MONDO:0009162, OMIM 225500.
Curry-Hall syndrome (WAD). Also called: WEYERS ACRODENTAL DYSOSTOSIS. Identifiers: Orphanet 952, MedGen C0457013, MONDO:0008673, OMIM 193530.

Allele frequency attached by ClinVar (database versions not stated): gnomAD below 0.00001 and 0.00011; gnomAD exomes 0.00010 and 0.00019; ExAC 0.00020; 1000 Genomes Project 0.00080.

Submissions (2):

Labcorp Genetics (formerly Invitae), Labcorp
Classification: Uncertain significance for Curry-Hall syndrome; Ellis-van Creveld syndrome. Last evaluated: 2021-08-27. Review status: criteria provided, single submitter. Criteria: Invitae Variant Classification Sherloc (09022015). Collection method: clinical testing. Allele origin: germline.
Comment: This variant, c.731_757del, is a complex sequence change that results in the deletion of 10 amino acids, with an and insertion of 1 amino acid(s) in the EVC protein (p.Leu244_Ser253delinsPro). The frequency data for this variant in the population databases is considered unreliable, as metrics indicate poor data quality at this position in the ExAC database. This variant has not been reported in the literature in individuals affected with EVC-related conditions. ClinVar contains an entry for this variant (Variation ID: 550451). Experimental studies and prediction algorithms are not available or were not evaluated, and the functional significance of this variant is currently unknown. In summary, the available evidence is currently insufficient to determine the role of this variant in disease. Therefore, it has been classified as a Variant of Uncertain Significance.

Counsyl
Classification: Uncertain significance for Ellis-van Creveld syndrome. Last evaluated: 2017-01-17. Review status: no assertion criteria provided. Collection method: clinical testing. Allele origin: unknown. Not counted in ClinVar's aggregate classification.

NM_153717.3(EVC):c.731_757del (p.Leu244_Ser253delinsPro)

Gene: EVC (EvC ciliary complex subunit 1; plus strand). Cytogenetic location: 4p16.2.
Variant type: Deletion.
Coding change: c.731_757del on transcript NM_153717.3 (MANE Select); coding-DNA positions 731 to 757, 27 bases deleted (TCCTTGACCTTCTTCCTAAAAAGAAGT).
Protein change: p.Leu244_Ser253delinsPro.
Molecular consequence: inframe indel.
Genome position (GRCh38, 1-based): chr4:5,741,744-5,741,770, TCCTTGACCTTCTTCCTAAAAAGAAGT deleted. VCF-style (leftmost placement, unchanged base first): chr4-5741743-CTCCTTGACCTTCTTCCTAAAAAGAAGT-C. GRCh37 (hg19) VCF-style: chr4-5743470-CTCCTTGACCTTCTTCCTAAAAAGAAGT-C.
Other names: c.731_757del (NM_153717.2); c.731_757del, p.Leu244_Ser253delinsPro (NM_001306090.2, NM_001306092.2).
Identifiers: ClinVar variation 550451 (VCV000550451.6), dbSNP rs529818833, ClinGen allele CA2835833.
Genomic context (GRCh38, chr4:5,741,743, plus strand): 5'-TTTCTTTTGTTATCTTTCCTTTCTTGGCAATAGATGTTTATTCAGATTTTTAAAATGTGC[CTCCTTGACCTTCTTCCTAAAAAGAAGT>C]CAGATGATGAACTATACCAGAAGATCCTTTCAAAACAAGAAAAAGTAAGTCTTCAACCTA-3'